The following is an entry in ClinVar:

NM_006445.4(PRPF8):c.1985-6dup

Gene: PRPF8 (pre-mRNA processing factor 8; minus strand). Cytogenetic location: 17p13.3.
Variant type: Duplication.
Coding change: c.1985-6dup on transcript NM_006445.4 (MANE Select); 6 bases into the intron before coding-DNA position 1985, one base duplicated (T; older notation c.1985-6dupT).
Molecular consequence: intron variant.
Genome position (GRCh38, 1-based): chr17:1,677,177, A duplicated on the plus strand (T on the coding strand, the reverse complement: PRPF8 is on the minus strand); the first of 2 consecutive A bases (chr17:1,677,177-1,677,178); duplicating either gives the same sequence. VCF-style (leftmost placement, unchanged base first): chr17-1677176-G-GA. GRCh37 (hg19) VCF-style: chr17-1580470-G-GA.
Other names: c.1985-5dupT (NM_006445.3); c.1985-5dup (NM_006445.4).
Identifiers: ClinVar variation 1108824 (VCV001108824.9), dbSNP rs1176602293, ClinGen allele CA624471161.

ClinVar aggregate classification (germline): Likely benign. Review status: criteria provided, multiple submitters, no conflicts (2 of 4 stars). 3 submissions from 3 submitters: Likely benign (3). Last evaluated 2026-05-13.

Conditions:
PRPF8-related disorder. Also called: PRPF8-related condition.
Retinitis pigmentosa 13 (RP13). Also called: PRPF 8-Related Retinitis Pigmentosa. Identifiers: Orphanet 791, MedGen C1838702, MONDO:0010806, OMIM 600059.

Submissions (3):

PreventionGenetics, part of Exact Sciences
Classification: Likely benign for PRPF8-related condition. Last evaluated: 2026-05-13. Review status: criteria provided, single submitter. Criteria: ACMG Guidelines, 2015. Collection method: clinical testing. Allele origin: germline.
Comment: This variant is classified as likely benign based on ACMG/AMP sequence variant interpretation guidelines (Richards et al. 2015 PMID: 25741868, with internal and published modifications).

Labcorp Genetics (formerly Invitae), Labcorp
Classification: Likely benign. Last evaluated: 2024-07-10. Review status: criteria provided, single submitter. Criteria: Invitae Variant Classification Sherloc (09022015). Collection method: clinical testing. Allele origin: germline.

Fulgent Genetics
Classification: Likely benign for Retinitis pigmentosa 13. Last evaluated: 2022-01-24. Review status: criteria provided, single submitter. Criteria: ACMG Guidelines, 2015. Collection method: clinical testing. Allele origin: unknown.